The following is an entry in ClinVar:

ClinVar aggregate classification (germline): Uncertain significance (1 of 4 stars; one submission).

Allele frequency attached by ClinVar (database versions not stated): gnomAD exomes 0.00001.
gnomAD v4.1: 12 of 1,548,900 alleles (0.00077%); highest among the groups gnomAD compares: South Asian, 0.0012%; no homozygotes.

Submission:

Labcorp Genetics (formerly Invitae), Labcorp
Classification: Uncertain significance. Last evaluated: 2022-07-25. Review status: criteria provided, single submitter. Criteria: Invitae Variant Classification Sherloc (09022015). Collection method: clinical testing. Allele origin: germline.
Comment: In summary, the available evidence is currently insufficient to determine the role of this variant in disease. Therefore, it has been classified as a Variant of Uncertain Significance. Algorithms developed to predict the effect of missense changes on protein structure and function are either unavailable or do not agree on the potential impact of this missense change (SIFT: "Deleterious"; PolyPhen-2: "Benign"; Align-GVGD: "Class C0"). This variant has not been reported in the literature in individuals affected with OBSL1-related conditions. This variant is not present in population databases (gnomAD no frequency). This sequence change replaces valine, which is neutral and non-polar, with methionine, which is neutral and non-polar, at codon 1328 of the OBSL1 protein (p.Val1328Met).

NM_015311.3(OBSL1):c.3982G>A (p.Val1328Met)

Gene: OBSL1 (obscurin like cytoskeletal adaptor 1; minus strand). Cytogenetic location: 2q35.
Variant type: single nucleotide variant.
Coding change: c.3982G>A on transcript NM_015311.3 (MANE Select); coding-DNA position 3982, G replaced by A.
Protein change: p.Val1328Met; replaces valine 1328 with methionine.
Molecular consequence: missense variant.
Genome position (GRCh38, 1-based): chr2:219,557,427, C>T on the plus strand (G>A on the coding strand, the complement: OBSL1 is on the minus strand). VCF-style: chr2-219557427-C-T. GRCh37 (hg19) VCF-style: chr2-220422149-C-T.
Other names: c.3982G>A, p.Val1328Met (NM_001173431.2); short protein forms V1328M.
Identifiers: ClinVar variation 2193402 (VCV002193402.4), dbSNP rs1199130350, ClinGen allele CA350732896.